The following is an entry in ClinVar:

ClinVar aggregate classification (germline): Pathogenic (1 of 4 stars; one submission).

Submission:

ISCA site 4
Classification: Pathogenic. Last evaluated: 2011-08-12. Review status: criteria provided, single submitter. Criteria: Kaminsky et al. (Genet Med. 2011). Collection method: clinical testing. Allele origin: unknown. Affected: yes. Observed: 1 variant allele.
Comment: Copy number variation identified through the course of routine clinical cytogenomic testing in postnatal populations. Clinical assertions have been curated as described in Kaminsky et al. 2011.

GRCh38/hg38 1q21.1-21.2(chr1:146354110-148503773)x1

Genes: ACP6 (acid phosphatase 6, lysophosphatidic; minus strand), BCL9 (BCL9 transcription coactivator; plus strand), CH17-408M7.1 (uncharacterized LOC102724558; plus strand), CHD1L (chromodomain helicase DNA binding protein 1 like; plus strand), FMO5 (flavin containing dimethylaniline monoxygenase 5; minus strand) and 58 more. Cytogenetic location: 1q21.1-21.2.
Variant type: copy number loss.
Change: copy number 1 (one copy instead of two) of chr1:146,354,110-148,503,773 (2.15 Mb, GRCh38 coordinates, 1-based), cytogenetic band 1q21.1-21.2.
Identifiers: ClinVar variation 57041 (VCV000057041.1).